The following is an entry in ClinVar:

NM_001846.4(COL4A2):c.1979-6C>T

Gene: COL4A2 (collagen type IV alpha 2 chain; plus strand). Cytogenetic location: 13q34.
Variant type: single nucleotide variant.
Coding change: c.1979-6C>T on transcript NM_001846.4 (MANE Select); 6 bases into the intron before coding-DNA position 1979, C replaced by T.
Molecular consequence: intron variant.
Genome position (GRCh38, 1-based): chr13:110,465,997, C>T. VCF-style: chr13-110465997-C-T. GRCh37 (hg19) VCF-style: chr13-111118344-C-T.
Other names: p.?.
Identifiers: ClinVar variation 311140 (VCV000311140.44), dbSNP rs190632602, ClinGen allele CA7049778.

ClinVar aggregate classification (germline): Benign/Likely benign. Review status: criteria provided, multiple submitters, no conflicts (2 of 4 stars). 8 submissions from 8 submitters: Benign (3); Likely benign (5). Last evaluated 2026-09-01.

Conditions:
Brain small vessel disease 2A, autosomal dominant. Also called: Porencephaly 2. Identifiers: Orphanet 2940, Orphanet 99810, MedGen C3280970, MONDO:0013773, OMIM 614483.
Inborn genetic diseases. Identifiers: MedGen C0950123, MeSH D030342.

Allele frequency attached by ClinVar (database versions not stated): 1000 Genomes Project 0.00260; 1000 Genomes Project 30x 0.00265; TOPMed 0.00445; gnomAD exomes 0.00452; gnomAD 0.00454 and 0.00465; ExAC 0.00455; ESP Exome Variant Server 0.00539.
gnomAD v4.1: 8,578 of 1,613,536 alleles (0.53%); highest among the groups gnomAD compares: Non-Finnish European, 0.63%; 24 homozygotes.

Submissions (8):

CeGaT Center for Human Genetics Tuebingen
Classification: Likely benign. Last evaluated: 2026-09-01. Review status: criteria provided, single submitter. Criteria: CeGaT Center For Human Genetics Tuebingen Variant Classification Criteria Version 2. Collection method: clinical testing. Allele origin: germline. Affected: yes. Observed: 28 variant alleles.
Comment: COL4A2: BP4, BS2

Ambry Genetics
Classification: Likely benign for Inborn genetic diseases. Last evaluated: 2026-04-23. Review status: criteria provided, single submitter. Criteria: Ambry Variant Classification Scheme 2023. Collection method: clinical testing. Allele origin: germline.

Labcorp Genetics (formerly Invitae), Labcorp
Classification: Benign. Last evaluated: 2026-01-24. Review status: criteria provided, single submitter. Criteria: Invitae Variant Classification Sherloc (09022015). Collection method: clinical testing. Allele origin: germline.

Blueprint Genetics
Classification: Likely benign. Last evaluated: 2024-11-27. Review status: criteria provided, single submitter. Criteria: ACMG Guidelines, 2015. Collection method: clinical testing. Allele origin: germline.

Mayo Clinic Laboratories, Mayo Clinic
Classification: Benign. Last evaluated: 2024-08-28. Review status: criteria provided, single submitter. Criteria: ACMG Guidelines, 2015. Collection method: clinical testing. Allele origin: germline. Observed: 3 variant alleles.
Comment: BS1, BS2, BP4, BP7

GeneDx
Classification: Likely benign. Last evaluated: 2018-04-12. Review status: criteria provided, single submitter. Criteria: GeneDx Variant Classification (06012015). Collection method: clinical testing. Allele origin: germline. Affected: yes.
Comment: This variant is considered likely benign or benign based on one or more of the following criteria: it is a conservative change, it occurs at a poorly conserved position in the protein, it is predicted to be benign by multiple in silico algorithms, and/or has population frequency not consistent with disease.

Illumina Laboratory Services, Illumina
Classification: Benign for Brain small vessel disease 2A, autosomal dominant. Last evaluated: 2018-01-13. Review status: criteria provided, single submitter. Criteria: ICSL Variant Classification Criteria 13 December 2019. Collection method: clinical testing. Allele origin: germline.
Comment: This variant was observed in the ICSL laboratory as part of a predisposition screen in an ostensibly healthy population. It had not been previously curated by ICSL or reported in the Human Gene Mutation Database (HGMD: prior to June 1st, 2018), and was therefore a candidate for classification through an automated scoring system. Utilizing variant allele frequency, disease prevalence and penetrance estimates, and inheritance mode, an automated score was calculated to assess if this variant is too frequent to cause the disease. Based on the score and internal cut-off values, a variant classified as benign is not then subjected to further curation. The score for this variant resulted in a classification of benign for this disease.

Breakthrough Genomics
Classification: Likely benign. Review status: criteria provided, single submitter. Criteria: ACMG Guidelines, 2015. Collection method: not provided. Allele origin: germline. Inheritance: Autosomal dominant inheritance. Affected: yes.